The following is an entry in ClinVar:

ClinVar aggregate classification (germline): Likely pathogenic (1 of 4 stars; one submission).

Conditions:
Intellectual developmental disorder, autosomal recessive 13. Also called: Intellectual disability, autosomal recessive 13. Identifiers: Orphanet 88616, MedGen C2750791, MONDO:0013173, OMIM 613192.

Allele frequency attached by ClinVar (database versions not stated): gnomAD exomes below 0.00001; gnomAD 0.00001; ExAC 0.00001.

Submission:

Women's Health and Genetics/Laboratory Corporation of America, LabCorp
Classification: Likely pathogenic for Intellectual developmental disorder, autosomal recessive 13. Last evaluated: 2022-10-07. Review status: criteria provided, single submitter. Criteria: LabCorp Variant Classification Summary - May 2015. Collection method: clinical testing. Allele origin: germline.
Comment: Variant summary: TRAPPC9 c.2222delA (p.Tyr741SerfsX3) results in a premature termination codon, predicted to cause a truncation of the encoded protein or absence of the protein due to nonsense mediated decay, which are commonly known mechanisms for disease. The variant allele was found at a frequency of 8e-06 in 251474 control chromosomes (gnomAD). To our knowledge, no occurrence of c.2222delA in individuals affected with Intellectual Disability, Autosomal Recessive 13 and no experimental evidence demonstrating its impact on protein function have been reported. No clinical diagnostic laboratories have submitted clinical-significance assessments for this variant to ClinVar after 2014. Based on the evidence outlined above, the variant was classified as likely pathogenic.

NM_001160372.4(TRAPPC9):c.1928del (p.Tyr643fs)

Gene: TRAPPC9 (trafficking protein particle complex subunit 9; minus strand). Cytogenetic location: 8q24.3.
Variant type: Deletion.
Coding change: c.1928del on transcript NM_001160372.4 (MANE Select); coding-DNA position 1928, one base deleted (A; older notation c.1928delA).
Protein change: p.Tyr643fs; shifts the reading frame from tyrosine 643.
Molecular consequence: frameshift variant. On other transcripts: non-coding transcript variant (1).
Genome position (GRCh38, 1-based): chr8:140,287,661, T deleted on the plus strand (A on the coding strand, the reverse complement: TRAPPC9 is on the minus strand). VCF-style (leftmost placement, unchanged base first): chr8-140287660-GT-G. GRCh37 (hg19) VCF-style: chr8-141297759-GT-G.
Other names: c.1901del, p.Tyr634fs (NM_001321646.2); c.1949del, p.Tyr650fs (NM_001374682.1); c.1928del, p.Tyr643fs (NM_001374683.1, NM_031466.8); c.1784del, p.Tyr595fs (NM_001374684.1); short protein forms Y595fs, Y634fs, Y643fs, Y650fs.
Identifiers: ClinVar variation 1723256 (VCV001723256.1), dbSNP rs779744636, ClinGen allele CA4893269.